The following is an entry in ClinVar:

ClinVar aggregate classification (germline): Uncertain significance. Review status: criteria provided, multiple submitters, no conflicts (2 of 4 stars). 3 submissions from 3 submitters: Uncertain significance (3). Last evaluated 2025-04-27.

Conditions:
POLD1-related polyposis and colorectal cancer syndrome (CRCS10). Also called: Colorectal cancer 10; COLORECTAL CANCER, SUSCEPTIBILITY TO, ON CHROMOSOME 19q; Colorectal cancer, susceptibility to, 10. Identifiers: Orphanet 220460, MedGen C2675481, MONDO:0012953, OMIM 612591.
Hereditary cancer-predisposing syndrome. Also called: Tumor predisposition; Neoplastic Syndromes, Hereditary; Hereditary Cancer Syndrome; Hereditary neoplastic syndrome. Identifiers: Orphanet 140162, MedGen C0027672, MeSH D009386, MONDO:0015356.

Allele frequency attached by ClinVar (database versions not stated): gnomAD exomes below 0.00001.
gnomAD v4.1: 5 of 1,613,894 alleles (0.00031%); highest among the groups gnomAD compares: South Asian, 0.0011%; no homozygotes.

Submissions (3):

Labcorp Genetics (formerly Invitae), Labcorp
Classification: Uncertain significance for POLD1-related polyposis and colorectal cancer syndrome. Last evaluated: 2025-04-27. Review status: criteria provided, single submitter. Criteria: Invitae Variant Classification Sherloc (09022015). Collection method: clinical testing. Allele origin: germline.
Comment: This sequence change replaces arginine, which is basic and polar, with cysteine, which is neutral and slightly polar, at codon 423 of the POLD1 protein (p.Arg423Cys). This variant is not present in population databases (gnomAD no frequency). This variant has not been reported in the literature in individuals affected with POLD1-related conditions. ClinVar contains an entry for this variant (Variation ID: 574024). Invitae Evidence Modeling of protein sequence and biophysical properties (such as structural, functional, and spatial information, amino acid conservation, physicochemical variation, residue mobility, and thermodynamic stability) indicates that this missense variant is expected to disrupt POLD1 protein function with a positive predictive value of 80%. In summary, the available evidence is currently insufficient to determine the role of this variant in disease. Therefore, it has been classified as a Variant of Uncertain Significance.

Ambry Genetics
Classification: Uncertain significance for Hereditary cancer-predisposing syndrome. Last evaluated: 2025-01-15. Review status: criteria provided, single submitter. Criteria: Ambry Variant Classification Scheme 2023. Collection method: clinical testing. Allele origin: germline.
Comment: The p.R423C variant (also known as c.1267C>T), located in coding exon 10 of the POLD1 gene, results from a C to T substitution at nucleotide position 1267. The arginine at codon 423 is replaced by cysteine, an amino acid with highly dissimilar properties. This amino acid position is conserved. In addition, this alteration is predicted to be deleterious by in silico analysis. Based on the available evidence, the clinical significance of this variant remains unclear.

Baylor Genetics
Classification: Uncertain significance for POLD1-related polyposis and colorectal cancer syndrome. Last evaluated: 2023-10-26. Review status: criteria provided, single submitter. Criteria: ACMG Guidelines, 2015. Collection method: clinical testing. Allele origin: unknown.

NM_002691.4(POLD1):c.1267C>T (p.Arg423Cys)

Gene: POLD1 (DNA polymerase delta 1, catalytic subunit; plus strand). Cytogenetic location: 19q13.33.
Variant type: single nucleotide variant.
Coding change: c.1267C>T on transcript NM_002691.4 (MANE Select); coding-DNA position 1267, C replaced by T.
Protein change: p.Arg423Cys; replaces arginine 423 with cysteine.
Molecular consequence: missense variant. On other transcripts: non-coding transcript variant (1).
Genome position (GRCh38, 1-based): chr19:50,406,206, C>T. VCF-style: chr19-50406206-C-T. GRCh37 (hg19) VCF-style: chr19-50909463-C-T.
Other names: c.1267C>T, p.Arg423Cys (NM_001256849.1, NM_001308632.1); c.1267C>T (NM_002691.2); short protein forms R423C.
Identifiers: ClinVar variation 574024 (VCV000574024.12), dbSNP rs1568626065, ClinGen allele CA406979761.